The following is an entry in ClinVar:

ClinVar aggregate classification (germline): Uncertain significance (1 of 4 stars; one submission).

Allele frequency attached by ClinVar (database versions not stated): gnomAD exomes 0.00001; ESP Exome Variant Server 0.00012.
gnomAD v4.1: 3 of 1,613,924 alleles (0.00019%); highest among the groups gnomAD compares: South Asian, 0.0033%; no homozygotes.

Submission:

Labcorp Genetics (formerly Invitae), Labcorp
Classification: Uncertain significance. Last evaluated: 2025-04-13. Review status: criteria provided, single submitter. Criteria: Invitae Variant Classification Sherloc (09022015). Collection method: clinical testing. Allele origin: germline.
Comment: This sequence change replaces glycine, which is neutral and non-polar, with aspartic acid, which is acidic and polar, at codon 252 of the CFB protein (p.Gly252Asp). This variant is not present in population databases (gnomAD no frequency). This variant has not been reported in the literature in individuals affected with CFB-related conditions. ClinVar contains an entry for this variant (Variation ID: 1920673). An algorithm developed to predict the effect of missense changes on protein structure and function (PolyPhen-2) suggests that this variant is likely to be tolerated. In summary, the available evidence is currently insufficient to determine the role of this variant in disease. Therefore, it has been classified as a Variant of Uncertain Significance.

NM_001710.6(CFB):c.755G>A (p.Gly252Asp)

Gene: CFB (complement factor B; plus strand). Cytogenetic location: 6p21.33.
Variant type: single nucleotide variant.
Coding change: c.755G>A on transcript NM_001710.6 (MANE Select); coding-DNA position 755, G replaced by A.
Protein change: p.Gly252Asp; replaces glycine 252 with aspartic acid.
Molecular consequence: missense variant.
Genome position (GRCh38, 1-based): chr6:31,947,838, G>A. VCF-style: chr6-31947838-G-A. GRCh37 (hg19) VCF-style: chr6-31915615-G-A.
Other names: short protein forms G252D.
Identifiers: ClinVar variation 1920673 (VCV001920673.5), dbSNP rs145082719, ClinGen allele CA136894551.
Genomic context (GRCh38, chr6:31,947,838, plus strand): 5'-AAGCTTTCCTGTCTTCCCTGACAGAGACCATAGAAGGAGTCGATGCTGAGGATGGGCACG[G>A]CCCAGGTTTGAAGACAGAGAAGGGAGGCAGGGCAGGGAACTGGGGGAAAATGGAGAAGGG-3'
Protein context (NP_001701.2, residues 242-262): IEGVDAEDGH[Gly252Asp]PGEQQKRKIV